The following is an entry in ClinVar:

ClinVar aggregate classification (germline): Uncertain significance (1 of 4 stars; one submission).

Conditions:
Weaver syndrome (WVS). Also called: Weaver Smith syndrome; Overgrowth syndrome with accelerated skeletal maturation, unusual facies, and camptodactyly. Identifiers: Orphanet 3447, MedGen C0265210, MONDO:0010193, OMIM 277590.

Submission:

Labcorp Genetics (formerly Invitae), Labcorp
Classification: Uncertain significance for Weaver syndrome. Last evaluated: 2024-10-23. Review status: criteria provided, single submitter. Criteria: Invitae Variant Classification Sherloc (09022015). Collection method: clinical testing. Allele origin: germline.
Comment: This sequence change falls in intron 6 of the EZH2 gene. It does not directly change the encoded amino acid sequence of the EZH2 protein. It affects a nucleotide within the consensus splice site. This variant is not present in population databases (gnomAD no frequency). This variant has not been reported in the literature in individuals affected with EZH2-related conditions. Variants that disrupt the consensus splice site are a relatively common cause of aberrant splicing (PMID: 17576681, 9536098). Algorithms developed to predict the effect of sequence changes on RNA splicing suggest that this variant is not likely to affect RNA splicing. In summary, the available evidence is currently insufficient to determine the role of this variant in disease. Therefore, it has been classified as a Variant of Uncertain Significance.

Literature cited by the submitters: PubMed 17576681; PubMed 9536098.

NM_004456.5(EZH2):c.625+4T>C

Gene: EZH2 (enhancer of zeste 2 polycomb repressive complex 2 subunit; minus strand). Cytogenetic location: 7q36.1.
Variant type: single nucleotide variant.
Coding change: c.625+4T>C on transcript NM_004456.5 (MANE Select); 4 bases into the intron after coding-DNA position 625, T replaced by C.
Molecular consequence: intron variant.
Genome position (GRCh38, 1-based): chr7:148,828,736, A>G on the plus strand (T>C on the coding strand, the complement: EZH2 is on the minus strand). VCF-style: chr7-148828736-A-G. GRCh37 (hg19) VCF-style: chr7-148525828-A-G.
Other names: c.598+4T>C (NM_001203248.2, NM_001203249.2); c.508+4T>C (NM_152998.3); c.625+4T>C (NM_001203247.2).
Identifiers: ClinVar variation 2723994 (VCV002723994.3), dbSNP rs2537139187, ClinGen allele CA2697557657.